The following is an entry in ClinVar:

NM_000271.5(NPC1):c.646G>A (p.Gly216Arg)

Gene: NPC1 (NPC intracellular cholesterol transporter 1; minus strand). Cytogenetic location: 18q11.2.
Variant type: single nucleotide variant.
Coding change: c.646G>A on transcript NM_000271.5 (MANE Select); coding-DNA position 646, G replaced by A.
Protein change: p.Gly216Arg; replaces glycine 216 with arginine.
Molecular consequence: missense variant.
Genome position (GRCh38, 1-based): chr18:23,560,466, C>T on the plus strand (G>A on the coding strand, the complement: NPC1 is on the minus strand). VCF-style: chr18-23560466-C-T. GRCh37 (hg19) VCF-style: chr18-21140430-C-T.
Other names: short protein forms G216R.
Identifiers: ClinVar variation 1931537 (VCV001931537.2), dbSNP rs2059022451, ClinGen allele CA401781433.

ClinVar aggregate classification (germline): Uncertain significance (1 of 4 stars; one submission).

Conditions:
Niemann-Pick disease, type C1. Also called: NIEMANN-PICK DISEASE, VARIANT TYPE C1; NEUROVISCERAL STORAGE DISEASE WITH VERTICAL SUPRANUCLEAR OPHTHALMOPLEGIA; NIEMANN-PICK DISEASE WITH CHOLESTEROL ESTERIFICATION BLOCK; NIEMANN-PICK DISEASE WITHOUT SPHINGOMYELINASE DEFICIENCY; NIEMANN-PICK DISEASE, CHRONIC NEURONOPATHIC FORM. Identifiers: Orphanet 646, MedGen C3179455, MONDO:0009757, OMIM 257220.

Allele frequency attached by ClinVar (database versions not stated): TOPMed below 0.00001; gnomAD exomes 0.00001.
gnomAD v4.1: 8 of 1,614,096 alleles (0.0005%); highest among the groups gnomAD compares: Non-Finnish European, 0.00068%; no homozygotes.

Submission:

Labcorp Genetics (formerly Invitae), Labcorp
Classification: Uncertain significance for Niemann-Pick disease, type C1. Last evaluated: 2021-09-17. Review status: criteria provided, single submitter. Criteria: Invitae Variant Classification Sherloc (09022015). Collection method: clinical testing. Allele origin: germline.
Comment: This sequence change replaces glycine with arginine at codon 216 of the NPC1 protein (p.Gly216Arg). The glycine residue is moderately conserved and there is a moderate physicochemical difference between glycine and arginine. This variant is not present in population databases (ExAC no frequency). This variant has not been reported in the literature in individuals with NPC1-related conditions. Algorithms developed to predict the effect of missense changes on protein structure and function (SIFT, PolyPhen-2, Align-GVGD) all suggest that this variant is likely to be tolerated, but these predictions have not been confirmed by published functional studies and their clinical significance is uncertain. In summary, the available evidence is currently insufficient to determine the role of this variant in disease. Therefore, it has been classified as a Variant of Uncertain Significance.